The following is an entry in ClinVar:

ClinVar aggregate classification (germline): Uncertain significance. Review status: criteria provided, multiple submitters, no conflicts (2 of 4 stars). 3 submissions from 3 submitters: Uncertain significance (3). Last evaluated 2026-03-06.

Conditions:
MET-related disorder. Also called: MET-related condition.
Renal cell carcinoma. Identifiers: Orphanet 217071, MedGen C0007134, MeSH D002292, MONDO:0005086, HP:0005584.
Hereditary cancer-predisposing syndrome. Also called: Neoplastic Syndromes, Hereditary; Tumor predisposition; Hereditary neoplastic syndrome; Hereditary Cancer Syndrome. Identifiers: Orphanet 140162, MedGen C0027672, MeSH D009386, MONDO:0015356.

Allele frequency attached by ClinVar (database versions not stated): gnomAD exomes 0.00001; TOPMed below 0.00001; ExAC 0.00001; gnomAD 0.00001.
gnomAD v4.1: 5 of 1,613,796 alleles (0.00031%); highest among the groups gnomAD compares: Admixed American, 0.0033%; no homozygotes.

Submissions (3):

PreventionGenetics, part of Exact Sciences
Classification: Uncertain significance for MET-related condition. Last evaluated: 2026-03-06. Review status: criteria provided, single submitter. Criteria: ACMG Guidelines, 2015. Collection method: clinical testing. Allele origin: germline.
Comment: The MET c.2357A>G variant is predicted to result in the amino acid substitution p.Asn786Ser. To our knowledge, this variant has not been reported in the literature. This variant is reported in 0.0029% of alleles in individuals of Latino descent in gnomAD and is interpreted as uncertain significance in ClinVar (Variation ID: 963599). At this time, the clinical significance of this variant is uncertain due to the absence of conclusive functional and genetic evidence.

Labcorp Genetics (formerly Invitae), Labcorp
Classification: Uncertain significance for Renal cell carcinoma. Last evaluated: 2025-09-16. Review status: criteria provided, single submitter. Criteria: Invitae Variant Classification Sherloc (09022015). Collection method: clinical testing. Allele origin: germline.
Comment: This sequence change replaces asparagine, which is neutral and polar, with serine, which is neutral and polar, at codon 786 of the MET protein (p.Asn786Ser). This variant is present in population databases (rs749126070, gnomAD 0.003%). This variant has not been reported in the literature in individuals affected with MET-related conditions. ClinVar contains an entry for this variant (Variation ID: 963599). Invitae Evidence Modeling of protein sequence and biophysical properties (such as structural, functional, and spatial information, amino acid conservation, physicochemical variation, residue mobility, and thermodynamic stability) indicates that this missense variant is not expected to disrupt MET protein function with a negative predictive value of 80%. In summary, the available evidence is currently insufficient to determine the role of this variant in disease. Therefore, it has been classified as a Variant of Uncertain Significance.

Ambry Genetics
Classification: Uncertain significance for Hereditary cancer-predisposing syndrome. Last evaluated: 2025-06-22. Review status: criteria provided, single submitter. Criteria: Ambry Variant Classification Scheme 2023. Collection method: clinical testing. Allele origin: germline.
Comment: The p.N786S variant (also known as c.2357A>G), located in coding exon 9 of the MET gene, results from an A to G substitution at nucleotide position 2357. The asparagine at codon 786 is replaced by serine, an amino acid with highly similar properties. This amino acid position is not well conserved in available vertebrate species. In addition, this alteration is predicted to be tolerated by in silico analysis. Since supporting evidence is limited at this time, the clinical significance of this alteration remains unclear.

NM_000245.4(MET):c.2303A>G (p.Asn768Ser)

Gene: MET (MET proto-oncogene, receptor tyrosine kinase; plus strand). Cytogenetic location: 7q31.2.
Variant type: single nucleotide variant.
Coding change: c.2303A>G on transcript NM_000245.4 (MANE Select); coding-DNA position 2303, A replaced by G.
Protein change: p.Asn768Ser; replaces asparagine 768 with serine.
Molecular consequence: missense variant.
Genome position (GRCh38, 1-based): chr7:116,759,429, A>G. VCF-style: chr7-116759429-A-G. GRCh37 (hg19) VCF-style: chr7-116399483-A-G.
Other names: c.2357A>G (NM_001127500.2); c.2357A>G, p.Asn786Ser (NM_001127500.3); c.2303A>G, p.Asn768Ser (NM_001324401.3); c.1013A>G, p.Asn338Ser (NM_001324402.2); short protein forms N768S, N338S, N786S.
Identifiers: ClinVar variation 963599 (VCV000963599.13), dbSNP rs749126070, ClinGen allele CA4448449.
Genomic context (GRCh38, chr7:116,759,429, plus strand): 5'-GTTTTCTATTTTGCTTTGCCAGTGGTGGGAGCACAATAACAGGTGTTGGGAAAAACCTGA[A>G]TTCAGTTAGTGTCCCGAGAATGGTCATAAATGTGCATGAAGCAGGAAGGAACTTTACAGT-3'
Protein context (NP_000236.2, residues 758-778): STITGVGKNL[Asn768Ser]SVSVPRMVIN